The following is an entry in ClinVar:

ClinVar aggregate classification (germline): Pathogenic/Likely pathogenic. Review status: criteria provided, multiple submitters, no conflicts (2 of 4 stars). 2 submissions from 2 submitters: Pathogenic (1); Likely pathogenic (1). Last evaluated 2026-09-30.

Conditions:
Long QT syndrome (LQTS). Identifiers: MedGen C0023976, MeSH D008133, MONDO:0002442. Disease mechanism: loss of function. Inheritance: Various modes of inheritance.

Submissions (2):

GeneDx
Classification: Likely pathogenic. Last evaluated: 2026-09-30. Review status: criteria provided, single submitter. Criteria: GeneDx Variant Classification Process June 2021. Collection method: clinical testing. Allele origin: germline.
Comment: Canonical splice site variant predicted to result in an in-frame loss of the adjacent exon in a gene for which loss of function is a known mechanism of disease; Not observed at significant frequency in large population cohorts (gnomAD); Has not been previously published as pathogenic or benign to our knowledge

Labcorp Genetics (formerly Invitae), Labcorp
Classification: Pathogenic for Long QT syndrome. Last evaluated: 2025-01-27. Review status: criteria provided, single submitter. Criteria: Invitae Variant Classification Sherloc (09022015). Collection method: clinical testing. Allele origin: germline.
Comment: This variant results in the deletion of part of exon 9 (c.1129-4_1151del) of the KCNQ1 gene. It is expected to disrupt RNA splicing. Variants that disrupt the donor or acceptor splice site typically lead to a loss of protein function (PMID: 16199547), and loss-of-function variants in KCNQ1 are known to be pathogenic (PMID: 9323054, 19862833). This variant is not present in population databases (gnomAD no frequency). This variant has not been reported in the literature in individuals affected with KCNQ1-related conditions. ClinVar contains an entry for this variant (Variation ID: 2971269). This variant disrupts a region of the KCNQ1 protein in which other variant(s) (p.Trp379Arg) have been determined to be pathogenic (PMID: 16534005, 26066609; internal data). This suggests that this is a clinically significant region of the protein, and that variants that disrupt it are likely to be disease-causing. For these reasons, this variant has been classified as Pathogenic.

Literature cited by the submitters: PubMed 16199547 (cited by Labcorp Genetics (formerly Invitae), Labcorp); PubMed 9323054 (cited by Labcorp Genetics (formerly Invitae), Labcorp); PubMed 19862833 (cited by Labcorp Genetics (formerly Invitae), Labcorp); PubMed 16534005 (cited by Labcorp Genetics (formerly Invitae), Labcorp); PubMed 26066609 (cited by Labcorp Genetics (formerly Invitae), Labcorp).

NM_000218.3(KCNQ1):c.1129-4_1151del

Gene: KCNQ1 (potassium voltage-gated channel subfamily Q member 1; plus strand). Cytogenetic location: 11p15.5.
Variant type: Deletion.
Coding change: c.1129-4_1151del on transcript NM_000218.3 (MANE Select); 4 bases into the intron before coding-DNA position 1129 through coding-DNA position 1151, 27 bases deleted (TCAGACCGCATGGAGGTGCTATGCTGC).
Molecular consequence: splice acceptor variant.
Genome position (GRCh38, 1-based): chr11:2,587,566-2,587,592, TCAGACCGCATGGAGGTGCTATGCTGC deleted; deleting any 27 consecutive bases within chr11:2,587,565-2,587,592 gives the same sequence; the c. name uses the placement nearest the transcript's 3' end. VCF-style (leftmost placement, unchanged base first): chr11-2587564-CCTCAGACCGCATGGAGGTGCTATGCTG-C. GRCh37 (hg19) VCF-style: chr11-2608794-CCTCAGACCGCATGGAGGTGCTATGCTG-C.
Other names: c.859-4_881del (NM_001406837.1); c.1033-4_1055del (NM_001406836.1); c.589-4_611del (NM_001406838.1); c.748-4_770del (NM_181798.2).
Identifiers: ClinVar variation 2971269 (VCV002971269.5), dbSNP rs2493705326, ClinGen allele CA2740093574.